The following is an entry in ClinVar:

NM_003242.6(TGFBR2):c.1595A>C (p.Gln532Pro)

Gene: TGFBR2 (transforming growth factor beta receptor 2; plus strand). Cytogenetic location: 3p24.1.
Variant type: single nucleotide variant.
Coding change: c.1595A>C on transcript NM_003242.6 (MANE Select); coding-DNA position 1595, A replaced by C.
Protein change: p.Gln532Pro; replaces glutamine 532 with proline.
Molecular consequence: missense variant.
Genome position (GRCh38, 1-based): chr3:30,691,490, A>C. VCF-style: chr3-30691490-A-C. GRCh37 (hg19) VCF-style: chr3-30732982-A-C.
Other names: c.1670A>C, p.Gln557Pro (NM_001024847.3); c.1778A>C, p.Gln593Pro (NM_001407126.1); c.1703A>C, p.Gln568Pro (NM_001407127.1); c.1622A>C, p.Gln541Pro (NM_001407128.1); c.1598A>C, p.Gln533Pro (NM_001407129.1); c.1592A>C, p.Gln531Pro (NM_001407130.1); c.1490A>C, p.Gln497Pro (NM_001407132.1, NM_001407133.1, NM_001407134.1 and 2 more transcripts); c.1310A>C, p.Gln437Pro (NM_001407137.1); and 2 more; short protein forms Q242P, Q412P, Q437P, Q497P, Q531P, Q532P, Q533P, Q541P.
Identifiers: ClinVar variation 3908076 (VCV003908076.2).

ClinVar aggregate classification (germline): Uncertain significance. Review status: criteria provided, multiple submitters, no conflicts (2 of 4 stars). 2 submissions from 2 submitters: Uncertain significance (2). Last evaluated 2025-10-12.

Conditions:
Familial thoracic aortic aneurysm and aortic dissection (TAAD). Also called: Thoracic aortic aneurysms and dissections. Identifiers: Orphanet 91387, MedGen C4707243, MONDO:0019625.

gnomAD v4.1: 2 of 1,613,934 alleles (0.00012%); highest among the groups gnomAD compares: Non-Finnish European, 0.00017%; no homozygotes.

Submissions (2):

Color Diagnostics, LLC DBA Color Health
Classification: Uncertain significance for Familial thoracic aortic aneurysm and aortic dissection. Last evaluated: 2025-10-12. Review status: criteria provided, single submitter. Criteria: ACMG Guidelines, 2015. Collection method: clinical testing. Allele origin: germline.
Comment: This missense variant replaces glutamine with proline at codon 532 of the TGFBR2 protein. Computational prediction suggests that this variant may not impact protein structure and function. To our knowledge, functional studies have not been reported for this variant. This variant has not been reported in individuals affected with TGFBR2-related disorders in the literature. This variant has been identified in 2/1461854 chromosomes in the general population by the Genome Aggregation Database (gnomAD). The available evidence is insufficient to determine the role of this variant in disease conclusively. Therefore, this variant is classified as a Variant of Uncertain Significance.

GeneDx
Classification: Uncertain significance. Last evaluated: 2024-12-21. Review status: criteria provided, single submitter. Criteria: GeneDx Variant Classification Process June 2021. Collection method: clinical testing. Allele origin: germline. Affected: yes.
Comment: Not observed at significant frequency in large population cohorts (gnomAD); In silico analysis indicates that this missense variant does not alter protein structure/function; Has not been previously published as pathogenic or benign to our knowledge